The following is an entry in ClinVar:

NM_022051.3(EGLN1):c.313G>C (p.Gly105Arg)

Gene: EGLN1 (egl-9 family hypoxia inducible factor 1; minus strand). Cytogenetic location: 1q42.2.
Variant type: single nucleotide variant.
Coding change: c.313G>C on transcript NM_022051.3 (MANE Select); coding-DNA position 313, G replaced by C.
Protein change: p.Gly105Arg; replaces glycine 105 with arginine.
Molecular consequence: missense variant.
Genome position (GRCh38, 1-based): chr1:231,421,576, C>G on the plus strand (G>C on the coding strand, the complement: EGLN1 is on the minus strand). VCF-style: chr1-231421576-C-G. GRCh37 (hg19) VCF-style: chr1-231557322-C-G.
Other names: c.313G>C, p.Gly105Arg (NM_001377260.1, NM_001377261.1); short protein forms G105R.
Identifiers: ClinVar variation 2565125 (VCV002565125.2), dbSNP rs2527360781, ClinGen allele CA345237772.

ClinVar aggregate classification (germline): Uncertain significance (1 of 4 stars; one submission).

Submission:

Ambry Genetics
Classification: Uncertain significance. Last evaluated: 2023-03-23. Review status: criteria provided, single submitter. Criteria: Ambry Variant Classification Scheme 2023. Collection method: clinical testing. Allele origin: germline.
Comment: The p.G105R variant (also known as c.313G>C), located in coding exon 1 of the EGLN1 gene, results from a G to C substitution at nucleotide position 313. The glycine at codon 105 is replaced by arginine, an amino acid with dissimilar properties. This amino acid position is conserved. In addition, this alteration is predicted to be tolerated by in silico analysis. Since supporting evidence is limited at this time, the clinical significance of this alteration remains unclear.